The following is an entry in ClinVar:

NM_000059.4(BRCA2):c.8633-1340A>T

Gene: BRCA2 (BRCA2 DNA repair associated; plus strand). Cytogenetic location: 13q13.1.
Variant type: single nucleotide variant.
Coding change: c.8633-1340A>T on transcript NM_000059.4 (MANE Select); 1340 bases into the intron before coding-DNA position 8633, A replaced by T.
Molecular consequence: intron variant.
Genome position (GRCh38, 1-based): chr13:32,375,330, A>T. VCF-style: chr13-32375330-A-T. GRCh37 (hg19) VCF-style: chr13-32949467-A-T.
Other names: c.8633-1340A>T (NM_001432077.1, NM_001406720.1); c.8537-1340A>T (NM_001406719.1); c.3701-1340A>T (NM_001406721.1); c.2216-1340A>T (NM_001406722.1).
Identifiers: ClinVar variation 4215269 (VCV004215269.1).

ClinVar aggregate classification (germline): Uncertain significance (1 of 4 stars; one submission).

Conditions:
Hereditary cancer-predisposing syndrome. Also called: Neoplastic Syndromes, Hereditary; Tumor predisposition; Hereditary Cancer Syndrome; Hereditary neoplastic syndrome. Identifiers: Orphanet 140162, MedGen C0027672, MeSH D009386, MONDO:0015356.

gnomAD v4.1: 1 of 437,134 alleles (0.00023%); no homozygotes.

Submission:

Ambry Genetics
Classification: Uncertain significance for Hereditary cancer-predisposing syndrome. Last evaluated: 2025-07-24. Review status: criteria provided, single submitter. Criteria: Ambry Variant Classification Scheme 2023. Collection method: clinical testing. Allele origin: germline.
Comment: The c.8633-1340A>T intronic variant results from an A to T substitution 1340 nucleotides upstream from coding exon 20 in the BRCA2 gene. This nucleotide position is conserved on limited sequence alignment. In silico splice site analysis predicts that this alteration may result in the creation or strengthening of a novel splice acceptor site. RNA studies have demonstrated that this alteration results in a splice defect; the clinical impact of this abnormal splicing is unknown at this time (Ambry internal data). Based on the available evidence, the clinical significance of this variant remains unclear.